The following is an entry in ClinVar:

ClinVar aggregate classification (germline): Uncertain significance (1 of 4 stars; one submission).

gnomAD v4.1: 5 of 1,613,910 alleles (0.00031%); highest among the groups gnomAD compares: East Asian, 0.0089%; no homozygotes.

Submission:

Labcorp Genetics (formerly Invitae), Labcorp
Classification: Uncertain significance. Last evaluated: 2024-07-27. Review status: criteria provided, single submitter. Criteria: Invitae Variant Classification Sherloc (09022015). Collection method: clinical testing. Allele origin: germline.
Comment: This sequence change replaces glycine, which is neutral and non-polar, with arginine, which is basic and polar, at codon 523 of the FZD4 protein (p.Gly523Arg). This variant is present in population databases (rs199577384, gnomAD 0.02%). This variant has not been reported in the literature in individuals affected with FZD4-related conditions. Advanced modeling of protein sequence and biophysical properties (such as structural, functional, and spatial information, amino acid conservation, physicochemical variation, residue mobility, and thermodynamic stability) performed at Invitae indicates that this missense variant is not expected to disrupt FZD4 protein function with a negative predictive value of 80%. In summary, the available evidence is currently insufficient to determine the role of this variant in disease. Therefore, it has been classified as a Variant of Uncertain Significance.

NM_012193.4(FZD4):c.1567G>A (p.Gly523Arg)

Genes: FZD4 (frizzled class receptor 4; minus strand), PRSS23 (serine protease 23; plus strand). Cytogenetic location: 11q14.2.
Variant type: single nucleotide variant.
Coding change: c.1567G>A on transcript NM_012193.4 (MANE Select); coding-DNA position 1567, G replaced by A.
Protein change: p.Gly523Arg; replaces glycine 523 with arginine.
Molecular consequence: missense variant.
Genome position (GRCh38, 1-based): chr11:86,951,189, C>T on the plus strand (G>A on the coding strand, the complement: FZD4 is on the minus strand). VCF-style: chr11-86951189-C-T. GRCh37 (hg19) VCF-style: chr11-86662231-C-T.
Other names: short protein forms G523R.
Identifiers: ClinVar variation 3678022 (VCV003678022.2).